The following is an entry in ClinVar:

ClinVar aggregate classification (germline): Likely pathogenic (1 of 4 stars; one submission).

Submission:

Labcorp Genetics (formerly Invitae), Labcorp
Classification: Likely pathogenic. Last evaluated: 2021-11-14. Review status: criteria provided, single submitter. Criteria: Invitae Variant Classification Sherloc (09022015). Collection method: clinical testing. Allele origin: germline.
Comment: In summary, the currently available evidence indicates that the variant is pathogenic, but additional data are needed to prove that conclusively. Therefore, this variant has been classified as Likely Pathogenic. This variant disrupts the p.Lys230 amino acid residue in FH. Other variant(s) that disrupt this residue have been determined to be pathogenic (PMID: 9635293, 11865300, 12761039, 12772087, 16206287, 19470762, 26574848). This suggests that this residue is clinically significant, and that variants that disrupt this residue are likely to be disease-causing. Advanced modeling of protein sequence and biophysical properties (such as structural, functional, and spatial information, amino acid conservation, physicochemical variation, residue mobility, and thermodynamic stability) performed at Invitae indicates that this missense variant is expected to disrupt FH protein function. This variant has not been reported in the literature in individuals affected with FH-related conditions. This variant is not present in population databases (gnomAD no frequency). This sequence change replaces lysine, which is basic and polar, with asparagine, which is neutral and polar, at codon 230 of the FH protein (p.Lys230Asn).

Literature cited by the submitters: PubMed 9635293; PubMed 11865300; PubMed 12761039; PubMed 12772087; PubMed 16206287; PubMed 19470762; PubMed 26574848.

NM_000143.4(FH):c.690G>C (p.Lys230Asn)

Gene: FH (fumarate hydratase; minus strand). Cytogenetic location: 1q43.
Variant type: single nucleotide variant.
Coding change: c.690G>C on transcript NM_000143.4 (MANE Select); coding-DNA position 690, G replaced by C.
Protein change: p.Lys230Asn; replaces lysine 230 with asparagine.
Molecular consequence: missense variant.
Genome position (GRCh38, 1-based): chr1:241,508,651, C>G on the plus strand (G>C on the coding strand, the complement: FH is on the minus strand). VCF-style: chr1-241508651-C-G. GRCh37 (hg19) VCF-style: chr1-241671951-C-G.
Other names: short protein forms K230N.
Identifiers: ClinVar variation 1492368 (VCV001492368.6), dbSNP rs2147919465, ClinGen allele CA345439234.